The following is an entry in ClinVar:

ClinVar aggregate classification (germline): Pathogenic (1 of 4 stars; one submission).

Conditions:
Baller-Gerold syndrome (BGS). Also called: CRANIOSYNOSTOSIS WITH RADIAL DEFECTS. Identifiers: Orphanet 1225, MedGen C0265308, MONDO:0009039, OMIM 218600.

Submission:

Labcorp Genetics (formerly Invitae), Labcorp
Classification: Pathogenic for Baller-Gerold syndrome. Last evaluated: 2018-12-22. Review status: criteria provided, single submitter. Criteria: Invitae Variant Classification Sherloc (09022015). Collection method: clinical testing. Allele origin: germline.
Comment: This sequence change creates a premature translational stop signal (p.Gly229Valfs*64) in the RECQL4 gene. It is expected to result in an absent or disrupted protein product. This variant is not present in population databases (ExAC no frequency). This variant has not been reported in the literature in individuals with RECQL4-related conditions. Loss-of-function variants in RECQL4 are known to be pathogenic (PMID: 12734318, 12952869). For these reasons, this variant has been classified as Pathogenic.

Literature cited by the submitters: PubMed 12734318; PubMed 12952869.

NM_004260.4(RECQL4):c.686del (p.Gly229fs)

Gene: RECQL4 (RecQ like helicase 4; minus strand). Cytogenetic location: 8q24.3.
Variant type: Deletion.
Coding change: c.686del on transcript NM_004260.4 (MANE Select); coding-DNA position 686, one base deleted (G; older notation c.686delG).
Protein change: p.Gly229fs; shifts the reading frame from glycine 229.
Molecular consequence: frameshift variant.
Genome position (GRCh38, 1-based): chr8:144,516,433, C deleted on the plus strand (G on the coding strand, the reverse complement: RECQL4 is on the minus strand); the first of 2 consecutive C bases (chr8:144,516,433-144,516,434); deleting either gives the same sequence. VCF-style (leftmost placement, unchanged base first): chr8-144516432-AC-A. GRCh37 (hg19) VCF-style: chr8-145741816-AC-A.
Other names: short protein forms G229fs.
Identifiers: ClinVar variation 641082 (VCV000641082.5), dbSNP rs1586824650, ClinGen allele CA915947403.